The following is an entry in ClinVar:

ClinVar aggregate classification (germline): Uncertain significance (1 of 4 stars; one submission).

Conditions:
Microphthalmia, isolated, with coloboma 5 (MCOPCB5). Also called: MICROPHTHALMIA/COLOBOMA 5; Microphthalmia with Coloboma 5. Identifiers: Orphanet 98938, MedGen C1968843, MONDO:0012709, OMIM 611638.
Solitary median maxillary central incisor syndrome. Also called: Single Central Incisor Syndrome; Solitary median maxillary central incisor; SINGLE CENTRAL MAXILLARY INCISOR; SMMCI SYNDROME; FUSED INCISORS. Identifiers: MedGen C1840235, MONDO:0007819, OMIM 147250, HP:0006315.
Holoprosencephaly 3 (HPE3). Identifiers: Orphanet 2162, MedGen C1840529, MONDO:0007733, OMIM 142945.

Submission:

Juno Genomics, Hangzhou Juno Genomics, Inc
Classification: Uncertain significance for Microphthalmia, isolated, with coloboma 5; Holoprosencephaly 3; Solitary median maxillary central incisor syndrome. Review status: criteria provided, single submitter. Criteria: ACMG Guidelines, 2015. Collection method: clinical testing. Allele origin: germline.
Comment: Absent from controls (or at extremely low frequency if recessive) in Genome Aggregation Database.;Multiple lines of computational evidence support a deleterious effect on the gene or gene product.

NM_000193.4(SHH):c.1126G>C (p.Ala376Pro)

Gene: SHH (sonic hedgehog signaling molecule; minus strand). Cytogenetic location: 7q36.3.
Variant type: single nucleotide variant.
Coding change: c.1126G>C on transcript NM_000193.4 (MANE Select); coding-DNA position 1126, G replaced by C.
Protein change: p.Ala376Pro; replaces alanine 376 with proline.
Molecular consequence: missense variant. On other transcripts: intron variant (1).
Genome position (GRCh38, 1-based): chr7:155,803,163, C>G on the plus strand (G>C on the coding strand, the complement: SHH is on the minus strand). VCF-style: chr7-155803163-C-G. GRCh37 (hg19) VCF-style: chr7-155595857-C-G.
Other names: c.302-2918G>C (NM_001310462.2); short protein forms A376P.
Identifiers: ClinVar variation 5007190 (VCV005007190.2).